The following is an entry in ClinVar:

ClinVar aggregate classification (germline): Pathogenic (1 of 4 stars; one submission).

Conditions:
Gorlin syndrome. Also called: Basal cell nevus syndrome; Nevoid Basal Cell Carcinoma Syndrome. Identifiers: Orphanet 377, MedGen C0004779, MONDO:0007187.

Submission:

Labcorp Genetics (formerly Invitae), Labcorp
Classification: Pathogenic for Gorlin syndrome. Last evaluated: 2023-12-23. Review status: criteria provided, single submitter. Criteria: Invitae Variant Classification Sherloc (09022015). Collection method: clinical testing. Allele origin: unknown.
Comment: This variant is a gross deletion of the genomic region encompassing exon(s) 16-17 of the PTCH1 gene. This variant would be expected to be in-frame, preserving the integrity of the reading frame. This variant has not been reported in the literature in individuals affected with PTCH1-related conditions. This variant disrupts a region of the PTCH1 protein in which other variant(s) (p.Trp926Ser) have been determined to be pathogenic (PMID: 16088933). This suggests that this is a clinically significant region of the protein, and that variants that disrupt it are likely to be disease-causing. For these reasons, this variant has been classified as Pathogenic.

Literature cited by the submitters: PubMed 16088933.

NC_000009.11:g.(?_98221862)_(98226337_?)del

Gene: PTCH1 (patched 1; minus strand). Cytogenetic location: 9q22.32.
Variant type: Deletion.
Identifiers: ClinVar variation 3245046 (VCV003245046.1).